The following is an entry in ClinVar:

NM_002691.4(POLD1):c.1774G>A (p.Gly592Arg)

Gene: POLD1 (DNA polymerase delta 1, catalytic subunit; plus strand). Cytogenetic location: 19q13.33.
Variant type: single nucleotide variant.
Coding change: c.1774G>A on transcript NM_002691.4 (MANE Select); coding-DNA position 1774, G replaced by A.
Protein change: p.Gly592Arg; replaces glycine 592 with arginine.
Molecular consequence: missense variant. On other transcripts: non-coding transcript variant (1).
Genome position (GRCh38, 1-based): chr19:50,407,414, G>A. VCF-style: chr19-50407414-G-A. GRCh37 (hg19) VCF-style: chr19-50910671-G-A.
Other names: c.1774G>A, p.Gly592Arg (NM_001256849.1, NM_001308632.1); short protein forms G592R.
Identifiers: ClinVar variation 566748 (VCV000566748.11), dbSNP rs1568628557, ClinGen allele CA406981419.

ClinVar aggregate classification (germline): Uncertain significance. Review status: criteria provided, multiple submitters, no conflicts (2 of 4 stars). 2 submissions from 2 submitters: Uncertain significance (2). Last evaluated 2023-12-17.

Conditions:
Hereditary cancer-predisposing syndrome. Also called: Tumor predisposition; Neoplastic Syndromes, Hereditary; Hereditary Cancer Syndrome; Hereditary neoplastic syndrome. Identifiers: Orphanet 140162, MedGen C0027672, MeSH D009386, MONDO:0015356.
POLD1-related polyposis and colorectal cancer syndrome (CRCS10). Also called: Colorectal cancer 10; COLORECTAL CANCER, SUSCEPTIBILITY TO, ON CHROMOSOME 19q; Colorectal cancer, susceptibility to, 10. Identifiers: Orphanet 220460, MedGen C2675481, MONDO:0012953, OMIM 612591.

Submissions (2):

Labcorp Genetics (formerly Invitae), Labcorp
Classification: Uncertain significance for POLD1-related polyposis and colorectal cancer syndrome. Last evaluated: 2023-12-17. Review status: criteria provided, single submitter. Criteria: Invitae Variant Classification Sherloc (09022015). Collection method: clinical testing. Allele origin: germline.
Comment: This sequence change replaces glycine, which is neutral and non-polar, with arginine, which is basic and polar, at codon 592 of the POLD1 protein (p.Gly592Arg). This variant is not present in population databases (gnomAD no frequency). This variant has not been reported in the literature in individuals affected with POLD1-related conditions. ClinVar contains an entry for this variant (Variation ID: 566748). An algorithm developed to predict the effect of missense changes on protein structure and function (PolyPhen-2) suggests that this variant is likely to be disruptive. In summary, the available evidence is currently insufficient to determine the role of this variant in disease. Therefore, it has been classified as a Variant of Uncertain Significance.

Ambry Genetics
Classification: Uncertain significance for Hereditary cancer-predisposing syndrome. Last evaluated: 2021-10-25. Review status: criteria provided, single submitter. Criteria: Ambry Variant Classification Scheme 2023. Collection method: clinical testing. Allele origin: germline.
Comment: The p.G592R variant (also known as c.1774G>A), located in coding exon 13 of the POLD1 gene, results from a G to A substitution at nucleotide position 1774. The glycine at codon 592 is replaced by arginine, an amino acid with dissimilar properties. This amino acid position is conserved. In addition, this alteration is predicted to be deleterious by in silico analysis. Since supporting evidence is limited at this time, the clinical significance of this alteration remains unclear.